The following is an entry in ClinVar:

NM_000180.4(GUCY2D):c.1672G>A (p.Asp558Asn)

Gene: GUCY2D (guanylate cyclase 2D, retinal; plus strand). Cytogenetic location: 17p13.1.
Variant type: single nucleotide variant.
Coding change: c.1672G>A on transcript NM_000180.4 (MANE Select); coding-DNA position 1672, G replaced by A.
Protein change: p.Asp558Asn; replaces aspartic acid 558 with asparagine.
Molecular consequence: missense variant.
Genome position (GRCh38, 1-based): chr17:8,009,509, G>A. VCF-style: chr17-8009509-G-A. GRCh37 (hg19) VCF-style: chr17-7912827-G-A.
Other names: NM_000180.4(GUCY2D):c.1672G>A; p.Asp558Asn; short protein forms D558N.
Identifiers: ClinVar variation 803314 (VCV000803314.14), dbSNP rs188568530, ClinGen allele CA8365854.

ClinVar aggregate classification (germline): Uncertain significance. Review status: reviewed by expert panel (3 of 4 stars). 6 submissions from 6 submitters: Uncertain significance (1). 5 of the submissions do not count toward it. Last evaluated 2025-01-30.

Conditions:
Cone-rod dystrophy 6 (CORD6). Also called: Cone dystrophy progressive; RETINAL CONE DYSTROPHY 2. Identifiers: Orphanet 1872, MedGen C1866293, MONDO:0011143, OMIM 601777.
Leber congenital amaurosis 1 (LCA1). Also called: Congenital absence of the rods and cones; Leber's congenital tapetoretinal degeneration; Leber's congenital tapetoretinal dysplasia; RETINAL BLINDNESS, CONGENITAL; AMAUROSIS CONGENITA OF LEBER I. Identifiers: Orphanet 65, MedGen C2931258, MONDO:0008764, OMIM 204000.
GUCY2D-related recessive retinopathy. Also called: Recessive GUCY2D retinopathy. Identifiers: MedGen CN305603, MONDO:0100453.
Choroidal dystrophy, central areolar, 1. Identifiers: Orphanet 75377, MedGen C4551884, MONDO:0024539, OMIM 215500.
Night blindness, congenital stationary, type1i. Also called: NIGHT BLINDNESS, CONGENITAL STATIONARY, TYPE 1I. Identifiers: MedGen C5231408, MONDO:0032811, OMIM 618555.
Leber congenital amaurosis (LCA). Also called: Leber's amaurosis. Identifiers: Orphanet 65, MedGen C0339527, MeSH D057130, MONDO:0018998.

Allele frequency attached by ClinVar (database versions not stated): gnomAD 0.00002 and 0.00003; ExAC 0.00003; ESP Exome Variant Server 0.00008; gnomAD exomes 0.00008; TOPMed 0.00010; 1000 Genomes Project 30x 0.00016; 1000 Genomes Project 0.00020.
gnomAD v4.1: 80 of 1,611,212 alleles (0.005%); highest among the groups gnomAD compares: Admixed American, 0.04%; no homozygotes.

Submissions (6):

ClinGen Leber Congenital Amaurosis/early Onset Retinal Dystrophy Variant Curation Expert Panel, ClinGen
Classification: Uncertain significance for GUCY2D-related recessive retinopathy. Last evaluated: 2025-01-30. Review status: reviewed by expert panel. Criteria: ClinGen LCAeoRD ACMG Specifications GUCY2D V1.0.0. Collection method: curation. Allele origin: germline. Inheritance: Autosomal recessive inheritance.
Comment: NM_000180.4(GUCY2D):c.1672G>A (p.Asp558Asn) is a missense variant predicted to replace aspartic acid with asparagine at position p.558. This variant is present in gnomAD v4.1.0 at a total allele frequency of 0.00004965, with 80 alleles / 1,611,212 total alleles, which is lower than the ClinGen LCA/eoRD VCEP PM2_Supporting threshold of <0.0004 (PM2_Supporting). This variant has been reported in at least 1 proband with early-onset severe retinal dystrophy who harbored the variant in an unreported state of zygosity (PMID: 31456290). In the absence of this detail, the PM3 code is not met. This variant has also been reported in a proband with early-onset severe retinal dystrophy in cis with the NM_000180.4(GUCY2D):c.1245del (p.Phe415fs) variant and in trans with the NM_000180.4:c.1956+1G>A variant, both of which have been classified as pathogenic by the ClinGen LCA/eoRD VCEP (PMID: 32865313, BP2). The variant has been reported to segregate with childhood-onset severe retinal dystrophy through the proband plus 1 similarly affected relative, with the variant present in the compound heterozygous state (PMID: 32865313, PP1). The computational predictor REVEL gives a score of 0.306, which is below the ClinGen LCA/eoRD VCEP threshold of ≥0.644 and does not predict a damaging effect on RetGC-1 protein function. Additionally, the splicing impact predictor SpliceAI gives a score of 0.04 for acceptor gain, which is below the ClinGen LCA/eoRD VCEP recommended threshold of ≥0.2 and does not strongly predict an impact on splicing. In summary, this variant meets the criteria to be classified as a variant of uncertain significance for GUCY2D-related recessive retinopathy based on the ACMG/AMP criteria applied, as specified by the ClinGen LCA/eoRD VCEP: PM2_Supporting, PP1, and BP2. (VCEP specifications version 1.0.0; date of approval 01/22/2025).

Labcorp Genetics (formerly Invitae), Labcorp
Classification: Uncertain significance for Leber congenital amaurosis 1; Cone-rod dystrophy 6. Last evaluated: 2024-10-25. Review status: criteria provided, single submitter. Criteria: Invitae Variant Classification Sherloc (09022015). Collection method: clinical testing. Allele origin: germline. Not counted in ClinVar's aggregate classification.
Comment: This sequence change replaces aspartic acid, which is acidic and polar, with asparagine, which is neutral and polar, at codon 558 of the GUCY2D protein (p.Asp558Asn). This variant is present in population databases (rs188568530, gnomAD 0.03%). This missense change has been observed in individual(s) with Leber congenital amaurosis (PMID: 31456290, 32865313). ClinVar contains an entry for this variant (Variation ID: 803314). Invitae Evidence Modeling of protein sequence and biophysical properties (such as structural, functional, and spatial information, amino acid conservation, physicochemical variation, residue mobility, and thermodynamic stability) indicates that this missense variant is not expected to disrupt GUCY2D protein function with a negative predictive value of 80%. In summary, the available evidence is currently insufficient to determine the role of this variant in disease. Therefore, it has been classified as a Variant of Uncertain Significance.

Blueprint Genetics
Classification: Uncertain significance. Last evaluated: 2024-08-23. Review status: criteria provided, single submitter. Criteria: ACMG Guidelines, 2015. Collection method: clinical testing. Allele origin: germline. Not counted in ClinVar's aggregate classification.

Fulgent Genetics
Classification: Uncertain significance for Leber congenital amaurosis 1; Choroidal dystrophy, central areolar, 1; Cone-rod dystrophy 6; Night blindness, congenital stationary, type1i. Last evaluated: 2021-07-23. Review status: criteria provided, single submitter. Criteria: ACMG Guidelines, 2015. Collection method: clinical testing. Allele origin: unknown. Not counted in ClinVar's aggregate classification.

Mendelics
Classification: Uncertain significance for Cone-rod dystrophy 6. Last evaluated: 2019-05-28. Review status: criteria provided, single submitter. Criteria: Mendelics Assertion Criteria 2017. Collection method: clinical testing. Allele origin: unknown. Not counted in ClinVar's aggregate classification.

Sharon lab, Hadassah-Hebrew University Medical Center
Classification: Likely pathogenic for leber congenital amaurosis. Last evaluated: 2019-06-23. Review status: no assertion criteria provided. Collection method: research. Allele origin: inherited. Affected: yes. Not counted in ClinVar's aggregate classification.

Literature cited by the submitters: PubMed 31456290 (cited by Labcorp Genetics (formerly Invitae), Labcorp); PubMed 32865313 (cited by Labcorp Genetics (formerly Invitae), Labcorp).